The following is an entry in ClinVar:

ClinVar aggregate classification (germline): Uncertain significance (1 of 4 stars; one submission).

Submission:

GeneDx
Classification: Uncertain significance. Last evaluated: 2024-06-17. Review status: criteria provided, single submitter. Criteria: GeneDx Variant Classification Process June 2021. Collection method: clinical testing. Allele origin: germline. Affected: yes.
Comment: Not observed at significant frequency in large population cohorts (gnomAD); In silico analysis indicates that this missense variant does not alter protein structure/function; Has not been previously published as pathogenic or benign to our knowledge

NM_018117.12(WDR11):c.2411G>C (p.Cys804Ser)

Gene: WDR11 (WD repeat domain 11; plus strand). Cytogenetic location: 10q26.12.
Variant type: single nucleotide variant.
Coding change: c.2411G>C on transcript NM_018117.12 (MANE Select); coding-DNA position 2411, G replaced by C.
Protein change: p.Cys804Ser; replaces cysteine 804 with serine.
Molecular consequence: missense variant.
Genome position (GRCh38, 1-based): chr10:120,890,783, G>C. VCF-style: chr10-120890783-G-C. GRCh37 (hg19) VCF-style: chr10-122650295-G-C.
Other names: short protein forms C804S.
Identifiers: ClinVar variation 3391731 (VCV003391731.1).
Genomic context (GRCh38, chr10:120,890,783, plus strand): 5'-TGGTGAGCAGTTTAAGAAGTGGCAGAAATGTGACCTTTCGTATATTGGATGTGGACTGGT[G>C]TACGTCAGATAAAGTGATCTTGGCCTCAGATGATGGGTGCATCAGAGTCCTAGAGATGTC-3'
Protein context (NP_060587.8, residues 794-814): VTFRILDVDW[Cys804Ser]TSDKVILASD